The following is an entry in ClinVar:

ClinVar aggregate classification (germline): Uncertain significance (1 of 4 stars; one submission).

Allele frequency attached by ClinVar (database versions not stated): TOPMed 0.00002; ExAC 0.00003; gnomAD exomes 0.00004; gnomAD 0.00007; ESP Exome Variant Server 0.00023.
gnomAD v4.1: 75 of 1,614,082 alleles (0.0046%); highest among the groups gnomAD compares: Non-Finnish European, 0.0058%; no homozygotes.

Submission:

Labcorp Genetics (formerly Invitae), Labcorp
Classification: Uncertain significance. Last evaluated: 2025-03-31. Review status: criteria provided, single submitter. Criteria: Invitae Variant Classification Sherloc (09022015). Collection method: clinical testing. Allele origin: germline.
Comment: This sequence change replaces proline, which is neutral and non-polar, with leucine, which is neutral and non-polar, at codon 92 of the KLF11 protein (p.Pro92Leu). This variant is present in population databases (rs146264648, gnomAD 0.008%). This variant has not been reported in the literature in individuals affected with KLF11-related conditions. ClinVar contains an entry for this variant (Variation ID: 1982696). An algorithm developed to predict the effect of missense changes on protein structure and function (PolyPhen-2) suggests that this variant is likely to be tolerated. In summary, the available evidence is currently insufficient to determine the role of this variant in disease. Therefore, it has been classified as a Variant of Uncertain Significance.

NM_003597.5(KLF11):c.275C>T (p.Pro92Leu)

Gene: KLF11 (KLF transcription factor 11; plus strand). Cytogenetic location: 2p25.1.
Variant type: single nucleotide variant.
Coding change: c.275C>T on transcript NM_003597.5 (MANE Select); coding-DNA position 275, C replaced by T.
Protein change: p.Pro92Leu; replaces proline 92 with leucine.
Molecular consequence: missense variant.
Genome position (GRCh38, 1-based): chr2:10,046,382, C>T. VCF-style: chr2-10046382-C-T. GRCh37 (hg19) VCF-style: chr2-10186509-C-T.
Other names: c.224C>T, p.Pro75Leu (NM_001177716.2, NM_001177718.2); short protein forms P92L, P75L.
Identifiers: ClinVar variation 1982696 (VCV001982696.4), dbSNP rs146264648, ClinGen allele CA1525445.